The following is an entry in ClinVar:

ClinVar aggregate classification (germline): Uncertain significance (1 of 4 stars; one submission).

Submission:

Labcorp Genetics (formerly Invitae), Labcorp
Classification: Uncertain significance. Last evaluated: 2024-02-11. Review status: criteria provided, single submitter. Criteria: Invitae Variant Classification Sherloc (09022015). Collection method: clinical testing. Allele origin: germline.
Comment: This sequence change falls in intron 3 of the ALPL gene. It does not directly change the encoded amino acid sequence of the ALPL protein. It affects a nucleotide within the consensus splice site. This variant is not present in population databases (gnomAD no frequency). This variant has not been reported in the literature in individuals affected with ALPL-related conditions. Variants that disrupt the consensus splice site are a relatively common cause of aberrant splicing (PMID: 17576681, 9536098). Algorithms developed to predict the effect of sequence changes on RNA splicing suggest that this variant may disrupt the consensus splice site. In summary, the available evidence is currently insufficient to determine the role of this variant in disease. Therefore, it has been classified as a Variant of Uncertain Significance.

Literature cited by the submitters: PubMed 17576681; PubMed 9536098.

NM_000478.6(ALPL):c.181+3_181+14del

Gene: ALPL (alkaline phosphatase, biomineralization associated; plus strand). Cytogenetic location: 1p36.12.
Variant type: Deletion.
Coding change: c.181+3_181+14del on transcript NM_000478.6 (MANE Select); bases 3 to 14 of the intron after coding-DNA position 181, 12 bases deleted (GAGGCCCAGGGG).
Molecular consequence: intron variant.
Genome position (GRCh38, 1-based): chr1:21,560,748-21,560,759, GAGGCCCAGGGG deleted. VCF-style (leftmost placement, unchanged base first): chr1-21560747-TGAGGCCCAGGGG-T. GRCh37 (hg19) VCF-style: chr1-21887240-TGAGGCCCAGGGG-T.
Other names: c.181+3_181+14del (NM_001369805.2, NM_001369804.2, NM_001369803.2); c.16+3_16+14del (NM_001127501.4); c.66+3_66+14del (NM_001177520.3).
Identifiers: ClinVar variation 3639129 (VCV003639129.2).